The following is an entry in ClinVar:

NM_001354930.2(RIPK1):c.938C>T (p.Ala313Val)

Gene: RIPK1 (receptor interacting serine/threonine kinase 1; plus strand). Cytogenetic location: 6p25.2.
Variant type: single nucleotide variant.
Coding change: c.938C>T on transcript NM_001354930.2 (MANE Select); coding-DNA position 938, C replaced by T.
Protein change: p.Ala313Val; replaces alanine 313 with valine.
Molecular consequence: missense variant.
Genome position (GRCh38, 1-based): chr6:3,104,247, C>T. VCF-style: chr6-3104247-C-T. GRCh37 (hg19) VCF-style: chr6-3104481-C-T.
Other names: c.449C>T, p.Ala150Val (NM_001317061.3, NM_001354932.2, NM_001354933.2 and 1 more transcripts); c.800C>T, p.Ala267Val (NM_001354931.2); c.938C>T, p.Ala313Val (NM_003804.6); short protein forms A150V, A267V, A313V.
Identifiers: ClinVar variation 4810531 (VCV004810531.1).

ClinVar aggregate classification (germline): Uncertain significance (1 of 4 stars; one submission).

Submission:

Labcorp Genetics (formerly Invitae), Labcorp
Classification: Uncertain significance. Last evaluated: 2025-11-09. Review status: criteria provided, single submitter. Criteria: Invitae Variant Classification Sherloc (09022015). Collection method: clinical testing. Allele origin: germline.
Comment: This sequence change replaces alanine, which is neutral and non-polar, with valine, which is neutral and non-polar, at codon 313 of the RIPK1 protein (p.Ala313Val). This variant is not present in population databases (gnomAD no frequency). This variant has not been reported in the literature in individuals affected with RIPK1-related conditions. An algorithm developed to predict the effect of missense changes on protein structure and function (PolyPhen-2) suggests that this variant is likely to be tolerated. In summary, the available evidence is currently insufficient to determine the role of this variant in disease. Therefore, it has been classified as a Variant of Uncertain Significance.